The following is an entry in ClinVar:

ClinVar aggregate classification (germline): Uncertain significance (1 of 4 stars; one submission).

Submission:

Labcorp Genetics (formerly Invitae), Labcorp
Classification: Uncertain significance. Last evaluated: 2025-12-15. Review status: criteria provided, single submitter. Criteria: Invitae Variant Classification Sherloc (09022015). Collection method: clinical testing. Allele origin: germline.
Comment: This sequence change replaces glycine, which is neutral and non-polar, with cysteine, which is neutral and slightly polar, at codon 404 of the CREB3L3 protein (p.Gly404Cys). This variant is not present in population databases (gnomAD no frequency). This missense change has been observed in individual(s) with dyslipidemia (PMID: 32041611). An algorithm developed to predict the effect of missense changes on protein structure and function (PolyPhen-2) suggests that this variant is likely to be tolerated. In summary, the available evidence is currently insufficient to determine the role of this variant in disease. Therefore, it has been classified as a Variant of Uncertain Significance.

Literature cited by the submitters: PubMed 32041611.

NM_032607.3(CREB3L3):c.1210G>T (p.Gly404Cys)

Genes: CREB3L3 (cAMP responsive element binding protein 3 like 3; plus strand), LOC125371455 (Sharpr-MPRA regulatory region 11650; plus strand). Cytogenetic location: 19p13.3.
Variant type: single nucleotide variant.
Coding change: c.1210G>T on transcript NM_032607.3 (MANE Select); coding-DNA position 1210, G replaced by T.
Protein change: p.Gly404Cys; replaces glycine 404 with cysteine.
Molecular consequence: missense variant. On other transcripts: 3 prime UTR variant (1).
Genome position (GRCh38, 1-based): chr19:4,171,793, G>T. VCF-style: chr19-4171793-G-T. GRCh37 (hg19) VCF-style: chr19-4171790-G-T.
Other names: c.1207G>T, p.Gly403Cys (NM_001271995.2); c.1204G>T, p.Gly402Cys (NM_001271996.2); c.*89G>T (NM_001271997.2); short protein forms G402C, G404C, G403C.
Identifiers: ClinVar variation 4700271 (VCV004700271.1).